The following is an entry in ClinVar:

ClinVar aggregate classification (germline): Pathogenic (1 of 4 stars; one submission).

Conditions:
PMM2-congenital disorder of glycosylation. Also called: CARBOHYDRATE-DEFICIENT GLYCOPROTEIN SYNDROME, TYPE Ia; PMM2-CDG; CDG Ia; JAEKEN SYNDROME; PHOSPHOMANNOMUTASE 2 DEFICIENCY; Congenital disorder of glycosylation, type Ia. Identifiers: Orphanet 79318, MedGen C0349653, MONDO:0008907, OMIM 212065.

Submission:

Labcorp Genetics (formerly Invitae), Labcorp
Classification: Pathogenic for PMM2-congenital disorder of glycosylation. Last evaluated: 2025-10-30. Review status: criteria provided, single submitter. Criteria: Invitae Variant Classification Sherloc (09022015). Collection method: clinical testing. Allele origin: germline.
Comment: This sequence change creates a premature translational stop signal (p.Tyr64*) in the PMM2 gene. It is expected to result in an absent or disrupted protein product. Loss-of-function variants in PMM2 are known to be pathogenic (PMID: 19862844). This variant is not present in population databases (gnomAD no frequency). This variant has not been reported in the literature in individuals affected with PMM2-related conditions. Algorithms developed to predict the effect of sequence changes on RNA splicing suggest that this variant may disrupt the consensus splice site. For these reasons, this variant has been classified as Pathogenic.

Literature cited by the submitters: PubMed 19862844.

NM_000303.3(PMM2):c.191dup (p.Tyr64Ter)

Gene: PMM2 (phosphomannomutase 2; plus strand). Cytogenetic location: 16p13.2.
Variant type: Duplication.
Coding change: c.191dup on transcript NM_000303.3 (MANE Select); coding-DNA position 191, one base duplicated (A; older notation c.191dupA).
Protein change: p.Tyr64Ter; replaces tyrosine 64 with a stop codon.
Molecular consequence: nonsense.
Genome position (GRCh38, 1-based): chr16:8,804,779, A duplicated. VCF-style (leftmost placement, unchanged base first): chr16-8804778-T-TA. GRCh37 (hg19) VCF-style: chr16-8898635-T-TA.
Other names: short protein forms Y64*.
Identifiers: ClinVar variation 4730235 (VCV004730235.1).